The following is an entry in ClinVar:

ClinVar aggregate classification (germline): Uncertain significance (1 of 4 stars; one submission).

Submission:

GeneDx
Classification: Uncertain significance. Last evaluated: 2025-04-24. Review status: criteria provided, single submitter. Criteria: GeneDx Variant Classification Process June 2021. Collection method: clinical testing. Allele origin: germline. Affected: yes.
Comment: Not observed at significant frequency in large population cohorts (gnomAD); In silico analysis supports that this missense variant has a deleterious effect on protein structure/function; Has not been previously published as pathogenic or benign to our knowledge

NM_000257.4(MYH7):c.4898A>G (p.Asn1633Ser)

Genes: MHRT (myosin heavy chain associated RNA transcript; plus strand), MYH7 (myosin heavy chain 7; minus strand), LOC126861897 (BRD4-independent group 4 enhancer GRCh37_chr14:23884455-23885654; plus strand). Cytogenetic location: 14q11.2.
Variant type: single nucleotide variant.
Coding change: c.4898A>G on transcript NM_000257.4 (MANE Select); coding-DNA position 4898, A replaced by G.
Protein change: p.Asn1633Ser; replaces asparagine 1633 with serine.
Molecular consequence: missense variant. On other transcripts: non-coding transcript variant (1).
Genome position (GRCh38, 1-based): chr14:23,416,059, T>C on the plus strand (A>G on the coding strand, the complement: MYH7 is on the minus strand). VCF-style: chr14-23416059-T-C. GRCh37 (hg19) VCF-style: chr14-23885268-T-C.
Other names: c.4898A>G, p.Asn1633Ser (NM_001407004.1); short protein forms N1633S.
Identifiers: ClinVar variation 4527270 (VCV004527270.1).